The following is an entry in ClinVar:

NM_005359.6(SMAD4):c.670C>G (p.Gln224Glu)

Gene: SMAD4 (SMAD family member 4; plus strand). Cytogenetic location: 18q21.2.
Variant type: single nucleotide variant.
Coding change: c.670C>G on transcript NM_005359.6 (MANE Select); coding-DNA position 670, C replaced by G.
Protein change: p.Gln224Glu; replaces glutamine 224 with glutamic acid.
Molecular consequence: missense variant.
Genome position (GRCh38, 1-based): chr18:51,058,127, C>G. VCF-style: chr18-51058127-C-G. GRCh37 (hg19) VCF-style: chr18-48584497-C-G.
Other names: c.670C>G, p.Gln224Glu (NM_001407041.1, NM_001407042.1, NM_001407043.1); short protein forms Q224E.
Identifiers: ClinVar variation 1755033 (VCV001755033.2), dbSNP rs2144426606, ClinGen allele CA402462586.

ClinVar aggregate classification (germline): Uncertain significance (1 of 4 stars; one submission).

Conditions:
Familial thoracic aortic aneurysm and aortic dissection (TAAD). Also called: Thoracic aortic aneurysms and dissections. Identifiers: Orphanet 91387, MedGen C4707243, MONDO:0019625.
Hereditary cancer-predisposing syndrome. Also called: Neoplastic Syndromes, Hereditary; Tumor predisposition; Hereditary Cancer Syndrome; Hereditary neoplastic syndrome. Identifiers: Orphanet 140162, MedGen C0027672, MeSH D009386, MONDO:0015356.

Submission:

Ambry Genetics
Classification: Uncertain significance for Hereditary cancer-predisposing syndrome; Familial thoracic aortic aneurysm and aortic dissection. Last evaluated: 2021-07-22. Review status: criteria provided, single submitter. Criteria: Ambry Variant Classification Scheme 2023. Collection method: clinical testing. Allele origin: germline.
Comment: The p.Q224E variant (also known as c.670C>G), located in coding exon 5 of the SMAD4 gene, results from a C to G substitution at nucleotide position 670. The glutamine at codon 224 is replaced by glutamic acid, an amino acid with highly similar properties. This amino acid position is highly conserved in available vertebrate species. In addition, the in silico prediction for this alteration is inconclusive. Since supporting evidence is limited at this time, the clinical significance of this alteration remains unclear.